The following is an entry in ClinVar:

NM_015166.4(MLC1):c.250C>G (p.Arg84Gly)

Genes: MLC1 (modulator of VRAC current 1; minus strand), LOC125446261 (Sharpr-MPRA regulatory region 9327; plus strand). Cytogenetic location: 22q13.33.
Variant type: single nucleotide variant.
Coding change: c.250C>G on transcript NM_015166.4 (MANE Select); coding-DNA position 250, C replaced by G.
Protein change: p.Arg84Gly; replaces arginine 84 with glycine.
Molecular consequence: missense variant. On other transcripts: non-coding transcript variant (3), intron variant (1).
Genome position (GRCh38, 1-based): chr22:50,083,101, G>C on the plus strand (C>G on the coding strand, the complement: MLC1 is on the minus strand). VCF-style: chr22-50083101-G-C. GRCh37 (hg19) VCF-style: chr22-50521530-G-C.
Other names: c.250C>G, p.Arg84Gly (NM_001376473.1, NM_001376472.1, NM_001376474.1 and 9 more transcripts); c.13C>G, p.Arg5Gly (NM_001376484.1); c.177+1625C>G (NM_001376480.1); short protein forms R5G, R84G.
Identifiers: ClinVar variation 3775702 (VCV003775702.1).

ClinVar aggregate classification (germline): Uncertain significance (1 of 4 stars; one submission).

Conditions:
Megalencephalic leukoencephalopathy with subcortical cysts 1 (MLC1). Also called: LEUKOENCEPHALOPATHY WITH SWELLING AND CYSTS; VACUOLATING MEGALENCEPHALIC LEUKOENCEPHALOPATHY WITH SUBCORTICAL CYSTS. Identifiers: Orphanet 2478, MedGen C5779875, MONDO:0024555, OMIM 604004.

Submission:

3billion
Classification: Uncertain significance for Megalencephalic leukoencephalopathy with subcortical cysts 1. Last evaluated: 2024-03-14. Review status: criteria provided, single submitter. Criteria: ACMG Guidelines, 2015. Collection method: clinical testing. Allele origin: germline. Affected: yes.
Comment: The variant is not observed in the gnomAD v2.1.1 dataset. Predicted Consequence/Location: Missense variant In silico tool predictions suggest damaging effect of the variant on gene or gene product [REVEL: 0.98 (>=0.6, sensitivity 0.68 and specificity 0.92); 3Cnet: 0.91 (>=0.6, sensitivity 0.72 and precision 0.9)]. Different missense changes at the same codon (p.Arg84Cys, p.Arg84His, p.Arg84Ser) have been reported as pathogenic/likely pathogenic with strong evidence (ClinVar ID: VCV000068791, VCV001331500 /PMID: 15832614, 16652334, 25497041). Therefore, this variant is classified as VUS according to the recommendation of ACMG/AMP guideline.

Literature cited by the submitters: PubMed 15832614.